The following is an entry in ClinVar:

ClinVar aggregate classification (germline): Likely benign (0 of 4 stars; one submission).

Conditions:
LEPR-related disorder. Also called: LEPR-related disorders; LEPR-related condition.

Submission:

PreventionGenetics, part of Exact Sciences
Classification: Likely benign for LEPR-related condition. Last evaluated: 2020-09-11. Review status: no assertion criteria provided. Collection method: clinical testing. Allele origin: germline.
Comment: This variant is classified as likely benign based on ACMG/AMP sequence variant interpretation guidelines (Richards et al. 2015 PMID: 25741868, with internal and published modifications).

NM_002303.6(LEPR):c.371-22_371-9del

Gene: LEPR (leptin receptor; plus strand). Cytogenetic location: 1p31.3.
Variant type: Deletion.
Coding change: c.371-22_371-9del on transcript NM_002303.6 (MANE Select); 22 bases into the intron before coding-DNA position 371 through 9 bases into the intron before coding-DNA position 371, 14 bases deleted (TTTTTTTTTTTTTT).
Molecular consequence: intron variant.
Genome position (GRCh38, 1-based): chr1:65,572,304-65,572,317, TTTTTTTTTTTTTT deleted; deleting any 14 consecutive bases within chr1:65,572,291-65,572,317 gives the same sequence; the c. name uses the placement nearest the transcript's 3' end. VCF-style (leftmost placement, unchanged base first): chr1-65572290-GTTTTTTTTTTTTTT-G. GRCh37 (hg19) VCF-style: chr1-66037973-GTTTTTTTTTTTTTT-G.
Other names: c.371-22_371-9del (NM_001003679.3, NM_001003680.3, NM_001198689.2 and 2 more transcripts).
Identifiers: ClinVar variation 3039702 (VCV003039702.2), dbSNP rs747467075, ClinGen allele CA737920219.
Genomic context (GRCh38, chr1:65,572,290, plus strand): 5'-TTGATTTAGCTCTTCTCTTTCACTGAGTTGTTCAGATGGTTTTTGAGATTTCATGTAGTT[GTTTTTTTTTTTTTT>G]TTTTTTTTTTTTTAAATTCAGATGCAAACTGGAACATACAGTGCTGGCTAAAAGGAGACT-3'